The following is an entry in ClinVar:

NM_172240.3(POC1B):c.453-7_453-2del

Genes: POC1B (POC1 centriolar protein B; minus strand), POC1B-DUSP6 (POC1B-DUSP6 readthrough; minus strand). Cytogenetic location: 12q21.33.
Variant type: Deletion.
Coding change: c.453-7_453-2del on transcript NM_172240.3 (MANE Select); 7 bases into the intron before coding-DNA position 453 through the canonical splice acceptor site of the intron before coding-DNA position 453, 6 bases deleted (TTTCTA; older notation c.453-7_453-2delTTTCTA).
Molecular consequence: splice acceptor variant.
Genome position (GRCh38, 1-based): chr12:89,472,277-89,472,282, TAGAAA deleted on the plus strand (TTTCTA on the coding strand, the reverse complement: POC1B is on the minus strand). VCF-style (leftmost placement, unchanged base first): chr12-89472276-CTAGAAA-C. GRCh37 (hg19) VCF-style: chr12-89866053-CTAGAAA-C.
Other names: c.327-7_327-2del (NM_001199777.2).
Identifiers: ClinVar variation 1066266 (VCV001066266.8), dbSNP rs1882929478, ClinGen allele CA2053554660.
Genomic context (GRCh38, chr12:89,472,276, plus strand): 5'-CAAATTTTAATAGTTTTATCCTCACTACATGACACAATTAGTCTTCCATCGGGTGAAAAT[CTAGAAA>C]GAAGAAGAAAGAAGATGTTTTATGTGAAAGGCTCTGGAGAGTCACCACCTCACCTCTACA-3'

ClinVar aggregate classification (germline): Likely pathogenic. Review status: criteria provided, multiple submitters, no conflicts (2 of 4 stars). 2 submissions from 2 submitters: Likely pathogenic (2). Last evaluated 2024-09-30.

Conditions:
Cone-rod dystrophy 20 (CORD20). Identifiers: Orphanet 1872, MedGen C4014856, MONDO:0014427, OMIM 615973.

Allele frequency attached by ClinVar (database versions not stated): gnomAD exomes below 0.00001; TOPMed 0.00001.

Submissions (2):

Labcorp Genetics (formerly Invitae), Labcorp
Classification: Likely pathogenic. Last evaluated: 2024-09-30. Review status: criteria provided, single submitter. Criteria: Invitae Variant Classification Sherloc (09022015). Collection method: clinical testing. Allele origin: germline.
Comment: This sequence change affects a splice site in intron 4 of the POC1B gene. It is expected to disrupt RNA splicing. Variants that disrupt the donor or acceptor splice site typically lead to a loss of protein function (PMID: 16199547), and loss-of-function variants in POC1B are known to be pathogenic (PMID: 25018096, 29220607). This variant is not present in population databases (gnomAD no frequency). This variant has not been reported in the literature in individuals affected with POC1B-related conditions. ClinVar contains an entry for this variant (Variation ID: 1066266). Algorithms developed to predict the effect of sequence changes on RNA splicing suggest that this variant may disrupt the consensus splice site. In summary, the currently available evidence indicates that the variant is pathogenic, but additional data are needed to prove that conclusively. Therefore, this variant has been classified as Likely Pathogenic.

Fulgent Genetics
Classification: Likely pathogenic for Cone-rod dystrophy 20. Last evaluated: 2024-01-09. Review status: criteria provided, single submitter. Criteria: ACMG Guidelines, 2015. Collection method: clinical testing. Allele origin: germline.

Literature cited by the submitters: PubMed 16199547 (cited by Labcorp Genetics (formerly Invitae), Labcorp); PubMed 25018096 (cited by Labcorp Genetics (formerly Invitae), Labcorp); PubMed 29220607 (cited by Labcorp Genetics (formerly Invitae), Labcorp).